The following is an entry in ClinVar:

ClinVar aggregate classification (germline): Pathogenic (1 of 4 stars; one submission).

Submission:

Labcorp Genetics (formerly Invitae), Labcorp
Classification: Pathogenic. Last evaluated: 2025-03-31. Review status: criteria provided, single submitter. Criteria: Invitae Variant Classification Sherloc (09022015). Collection method: clinical testing. Allele origin: germline.
Comment: This sequence change creates a premature translational stop signal (p.Arg348Glufs*61) in the TPRN gene. It is expected to result in an absent or disrupted protein product. Loss-of-function variants in TPRN are known to be pathogenic (PMID: 20170898, 20170899). This variant is present in population databases (rs760025627, gnomAD 0.001%). This variant has not been reported in the literature in individuals affected with TPRN-related conditions. ClinVar contains an entry for this variant (Variation ID: 1454097). For these reasons, this variant has been classified as Pathogenic.

Literature cited by the submitters: PubMed 20170898; PubMed 20170899.

NM_001128228.3(TPRN):c.1041dup (p.Arg348fs)

Gene: TPRN (taperin; minus strand). Cytogenetic location: 9q34.3.
Variant type: Duplication.
Coding change: c.1041dup on transcript NM_001128228.3 (MANE Select); coding-DNA position 1041, one base duplicated (G; older notation c.1041dupG).
Protein change: p.Arg348fs; shifts the reading frame from arginine 348.
Molecular consequence: frameshift variant.
Genome position (GRCh38, 1-based): chr9:137,199,671, C duplicated on the plus strand (G on the coding strand, the reverse complement: TPRN is on the minus strand); the first of 4 consecutive C bases (chr9:137,199,671-137,199,674); duplicating any one gives the same sequence. VCF-style (leftmost placement, unchanged base first): chr9-137199670-T-TC. GRCh37 (hg19) VCF-style: chr9-140094122-T-TC.
Other names: short protein forms R348fs.
Identifiers: ClinVar variation 1454097 (VCV001454097.6), dbSNP rs760025627, ClinGen allele CA5362827.
Genomic context (GRCh38, chr9:137,199,670, plus strand): 5'-CGAGCTCCTGGCTCGGGGAGGCCGGGCCCAGGTCTCCCTTTGGCAGCTCCACGGACTGCC[T>TC]CCCCTCAGGAGGAGGAGCCCCGGAGGCCTTGCTCTTGGGGATGACCATGAAAGAATTTCG-3'